The following is an entry in ClinVar:

NM_022114.4(PRDM16):c.538G>T (p.Asp180Tyr)

Gene: PRDM16 (PR/SET domain 16; plus strand). Cytogenetic location: 1p36.32.
Variant type: single nucleotide variant.
Coding change: c.538G>T on transcript NM_022114.4 (MANE Select); coding-DNA position 538, G replaced by T.
Protein change: p.Asp180Tyr; replaces aspartic acid 180 with tyrosine.
Molecular consequence: missense variant.
Genome position (GRCh38, 1-based): chr1:3,385,251, G>T. VCF-style: chr1-3385251-G-T. GRCh37 (hg19) VCF-style: chr1-3301815-G-T.
Other names: c.538G>T, p.Asp180Tyr (NM_199454.3); short protein forms D180Y.
Identifiers: ClinVar variation 2121783 (VCV002121783.4), dbSNP rs2523761111, ClinGen allele CA338000760.

ClinVar aggregate classification (germline): Uncertain significance (1 of 4 stars; one submission).

Conditions:
Left ventricular noncompaction 8 (LVNC8). Identifiers: Orphanet 154, Orphanet 54260, MedGen C3809288, MONDO:0014152, OMIM 615373.

Submission:

Labcorp Genetics (formerly Invitae), Labcorp
Classification: Uncertain significance for Left ventricular noncompaction 8. Last evaluated: 2024-04-17. Review status: criteria provided, single submitter. Criteria: Invitae Variant Classification Sherloc (09022015). Collection method: clinical testing. Allele origin: germline.
Comment: This sequence change replaces aspartic acid, which is acidic and polar, with tyrosine, which is neutral and polar, at codon 180 of the PRDM16 protein (p.Asp180Tyr). This variant is not present in population databases (gnomAD no frequency). This variant has not been reported in the literature in individuals affected with PRDM16-related conditions. ClinVar contains an entry for this variant (Variation ID: 2121783). An algorithm developed to predict the effect of missense changes on protein structure and function (PolyPhen-2) suggests that this variant is likely to be disruptive. In summary, the available evidence is currently insufficient to determine the role of this variant in disease. Therefore, it has been classified as a Variant of Uncertain Significance.